The following is an entry in ClinVar:

NM_152383.5(DIS3L2):c.1721A>G (p.Glu574Gly)

Gene: DIS3L2 (DIS3 like 3'-5' exoribonuclease 2; plus strand). Cytogenetic location: 2q37.1.
Variant type: single nucleotide variant.
Coding change: c.1721A>G on transcript NM_152383.5 (MANE Select); coding-DNA position 1721, A replaced by G.
Protein change: p.Glu574Gly; replaces glutamic acid 574 with glycine.
Molecular consequence: missense variant. On other transcripts: non-coding transcript variant (2), intron variant (1).
Genome position (GRCh38, 1-based): chr2:232,300,101, A>G. VCF-style: chr2-232300101-A-G. GRCh37 (hg19) VCF-style: chr2-233164811-A-G.
Other names: c.1581+36739A>G (NM_001257281.2); short protein forms E574G.
Identifiers: ClinVar variation 531954 (VCV000531954.8), dbSNP rs1553546491, ClinGen allele CA350978688.
Genomic context (GRCh38, chr2:232,300,101, plus strand): 5'-TAAAGCTTGCTTTCACTCTGGACCACGAGACCGGATTGCCTCAAGGATGTCATATCTATG[A>G]GTACCGCGAGAGCAACAAGTAAGCCACTCAGTGGGAAAGAGTGTCACTTCACATGTGTGC-3'
Protein context (NP_689596.4, residues 564-584): TGLPQGCHIY[Glu574Gly]YRESNKLVEE

ClinVar aggregate classification (germline): Uncertain significance (1 of 4 stars; one submission).

Conditions:
Perlman syndrome (PRLMNS). Identifiers: Orphanet 2849, MedGen C0796113, MONDO:0009965, OMIM 267000.

Submission:

Labcorp Genetics (formerly Invitae), Labcorp
Classification: Uncertain significance for Perlman syndrome. Last evaluated: 2017-08-10. Review status: criteria provided, single submitter. Criteria: Invitae Variant Classification Sherloc (09022015). Collection method: clinical testing. Allele origin: germline.
Comment: In summary, the available evidence is currently insufficient to determine the role of this variant in disease. Therefore, it has been classified as a Variant of Uncertain Significance. Algorithms developed to predict the effect of missense changes on protein structure and function do not agree on the potential impact of this missense change (SIFT: "Deleterious"; PolyPhen-2: "Possibly Damaging"; Align-GVGD: "Class C0"). This variant has not been reported in the literature in individuals with DIS3L2-related disease. This variant is not present in population databases (ExAC no frequency). This sequence change replaces glutamic acid with glycine at codon 574 of the DIS3L2 protein (p.Glu574Gly). The glutamic acid residue is weakly conserved and there is a moderate physicochemical difference between glutamic acid and glycine.